The following is an entry in ClinVar:

NM_001042492.3(NF1):c.607G>A (p.Ala203Thr)

Gene: NF1 (neurofibromin 1; plus strand). Cytogenetic location: 17q11.2.
Variant type: single nucleotide variant.
Coding change: c.607G>A on transcript NM_001042492.3 (MANE Select); coding-DNA position 607, G replaced by A.
Protein change: p.Ala203Thr; replaces alanine 203 with threonine.
Molecular consequence: missense variant.
Genome position (GRCh38, 1-based): chr17:31,181,442, G>A. VCF-style: chr17-31181442-G-A. GRCh37 (hg19) VCF-style: chr17-29508460-G-A.
Other names: c.607G>A, p.Ala203Thr (NM_000267.4, NM_001128147.3); short protein forms A203T.
Identifiers: ClinVar variation 1018931 (VCV001018931.5), dbSNP rs904361724, ClinGen allele CA398989285.

ClinVar aggregate classification (germline): Uncertain significance (1 of 4 stars; one submission).

Conditions:
Neurofibromatosis, type 1 (NF1). Also called: VON RECKLINGHAUSEN DISEASE; Neurofibromatosis, type I; NEUROFIBROMATOSIS, TYPE I, SOMATIC; Peripheral type neurofibromatosis. Identifiers: Orphanet 636, MedGen C0027831, MONDO:0018975, OMIM 162200. Disease mechanism: loss of function.

Submission:

Labcorp Genetics (formerly Invitae), Labcorp
Classification: Uncertain significance for Neurofibromatosis, type 1. Last evaluated: 2020-03-05. Review status: criteria provided, single submitter. Criteria: Invitae Variant Classification Sherloc (09022015). Collection method: clinical testing. Allele origin: germline.
Comment: This sequence change replaces alanine with threonine at codon 203 of the NF1 protein (p.Ala203Thr). The alanine residue is highly conserved and there is a small physicochemical difference between alanine and threonine. This variant is not present in population databases (ExAC no frequency). This variant has not been reported in the literature in individuals with NF1-related conditions. Algorithms developed to predict the effect of missense changes on protein structure and function (SIFT, PolyPhen-2, Align-GVGD) all suggest that this variant is likely to be tolerated, but these predictions have not been confirmed by published functional studies and their clinical significance is uncertain. In summary, the available evidence is currently insufficient to determine the role of this variant in disease. Therefore, it has been classified as a Variant of Uncertain Significance.